The following is an entry in ClinVar:

NM_000038.6(APC):c.6700C>T (p.Pro2234Ser)

Gene: APC (APC regulator of Wnt signaling pathway; plus strand). Cytogenetic location: 5q22.2.
Variant type: single nucleotide variant.
Coding change: c.6700C>T on transcript NM_000038.6 (MANE Select); coding-DNA position 6700, C replaced by T.
Protein change: p.Pro2234Ser; replaces proline 2234 with serine.
Molecular consequence: missense variant.
Genome position (GRCh38, 1-based): chr5:112,842,294, C>T. VCF-style: chr5-112842294-C-T. GRCh37 (hg19) VCF-style: chr5-112177991-C-T.
Other names: c.6700C>T, p.Pro2234Ser (NM_001127510.3, NM_001354895.2); c.6646C>T, p.Pro2216Ser (NM_001127511.3); c.6754C>T, p.Pro2252Ser (NM_001354896.2); c.6730C>T, p.Pro2244Ser (NM_001354897.2); c.6625C>T, p.Pro2209Ser (NM_001354898.2); c.6616C>T, p.Pro2206Ser (NM_001354899.2); c.6577C>T, p.Pro2193Ser (NM_001354900.2); c.6523C>T, p.Pro2175Ser (NM_001354901.2); and 5 more; short protein forms P2216S, P2234S, P2133S, P2193S, P2074S, P2108S, P2175S, P2244S.
Identifiers: ClinVar variation 185231 (VCV000185231.32), dbSNP rs749507584, ClinGen allele CA012428.

ClinVar aggregate classification (germline): Uncertain significance. Review status: criteria provided, multiple submitters, no conflicts (2 of 4 stars). 9 submissions from 9 submitters: Uncertain significance (9). Last evaluated 2025-09-22.

Conditions:
Classic or attenuated familial adenomatous polyposis. Identifiers: MedGen CN372698, MONDO:0021057.
Hereditary cancer-predisposing syndrome. Also called: Hereditary neoplastic syndrome; Neoplastic Syndromes, Hereditary; Tumor predisposition; Hereditary Cancer Syndrome. Identifiers: Orphanet 140162, MedGen C0027672, MeSH D009386, MONDO:0015356.
Familial adenomatous polyposis 1 (FAP1). Also called: FAMILIAL ADENOMATOUS POLYPOSIS 1, ATTENUATED; POLYPOSIS, ADENOMATOUS INTESTINAL. Identifiers: MedGen C2713442, MONDO:0021056, OMIM 175100. Disease mechanism: loss of function.

Allele frequency attached by ClinVar (database versions not stated): gnomAD 0.00001; TOPMed 0.00002.
gnomAD v4.1: 32 of 1,613,730 alleles (0.002%); highest among the groups gnomAD compares: Non-Finnish European, 0.0025%; no homozygotes.

Submissions (9):

Labcorp Genetics (formerly Invitae), Labcorp
Classification: Uncertain significance for Familial adenomatous polyposis 1. Last evaluated: 2025-09-22. Review status: criteria provided, single submitter. Criteria: Invitae Variant Classification Sherloc (09022015). Collection method: clinical testing. Allele origin: germline.
Comment: This sequence change replaces proline, which is neutral and non-polar, with serine, which is neutral and polar, at codon 2234 of the APC protein (p.Pro2234Ser). This variant is present in population databases (rs749507584, gnomAD 0.002%). This variant has not been reported in the literature in individuals affected with APC-related conditions. ClinVar contains an entry for this variant (Variation ID: 185231). Invitae Evidence Modeling of protein sequence and biophysical properties (such as structural, functional, and spatial information, amino acid conservation, physicochemical variation, residue mobility, and thermodynamic stability) indicates that this missense variant is not expected to disrupt APC protein function with a negative predictive value of 95%. In summary, the available evidence is currently insufficient to determine the role of this variant in disease. Therefore, it has been classified as a Variant of Uncertain Significance.

GeneDx
Classification: Uncertain significance. Last evaluated: 2025-09-04. Review status: criteria provided, single submitter. Criteria: GeneDx Variant Classification Process June 2021. Collection method: clinical testing. Allele origin: germline. Affected: yes.
Comment: Not observed at significant frequency in large population cohorts (gnomAD); In silico analysis supports that this missense variant has a deleterious effect on protein structure/function; Has not been previously published as pathogenic or benign to our knowledge; This variant is associated with the following publications: (PMID: 25759019)

Ambry Genetics
Classification: Uncertain significance for Hereditary cancer-predisposing syndrome. Last evaluated: 2025-04-29. Review status: criteria provided, single submitter. Criteria: Ambry Variant Classification Scheme 2023. Collection method: clinical testing. Allele origin: germline.
Comment: The p.P2234S variant (also known as c.6700C>T), located in coding exon 15 of the APC gene, results from a C to T substitution at nucleotide position 6700. The proline at codon 2234 is replaced by serine, an amino acid with similar properties. This amino acid position is highly conserved in available vertebrate species. In addition, in silico predictors for this gene do not accurately predict pathogenicity. Based on the available evidence, the clinical significance of this variant remains unclear.

All of Us Research Program, National Institutes of Health
Classification: Uncertain significance for Classic or attenuated familial adenomatous polyposis. Last evaluated: 2024-06-17. Review status: criteria provided, single submitter. Criteria: ACMG Guidelines, 2015. Collection method: clinical testing. Allele origin: germline. Inheritance: Autosomal dominant inheritance. Observed: 5 variant alleles, 5 heterozygotes.
Comment: This missense variant replaces proline with serine at codon 2234 of the APC protein. Computational prediction is inconclusive regarding the impact of this variant on protein structure and function (internally defined REVEL score threshold 0.5 < inconclusive < 0.7, PMID: 27666373). To our knowledge, functional studies have not been reported for this variant. This variant has not been reported in individuals affected with APC-related disorders in the literature. This variant has been identified in 2/250468 chromosomes in the general population by the Genome Aggregation Database (gnomAD). The available evidence is insufficient to determine the role of this variant in disease conclusively. Therefore, this variant is classified as a Variant of Uncertain Significance.

This study involves interpretation of variants in research participants for the purpose of population health screening. Participant phenotype was not available at the time of variant classification. Additional details can be found in publication PMID: 35346344, PMCID: PMC8962531

Color Diagnostics, LLC DBA Color Health
Classification: Uncertain significance for Hereditary cancer-predisposing syndrome. Last evaluated: 2024-04-24. Review status: criteria provided, single submitter. Criteria: ACMG Guidelines, 2015. Collection method: clinical testing. Allele origin: germline.
Comment: This missense variant replaces proline with serine at codon 2234 of the APC protein. Computational prediction is inconclusive regarding the impact of this variant on protein structure and function (internally defined REVEL score threshold 0.5 < inconclusive < 0.7, PMID: 27666373). To our knowledge, functional studies have not been reported for this variant. This variant has not been reported in individuals affected with APC-related disorders in the literature. This variant has been identified in 2/250468 chromosomes in the general population by the Genome Aggregation Database (gnomAD). The available evidence is insufficient to determine the role of this variant in disease conclusively. Therefore, this variant is classified as a Variant of Uncertain Significance.

Baylor Genetics
Classification: Uncertain significance for Familial adenomatous polyposis 1. Last evaluated: 2023-07-05. Review status: criteria provided, single submitter. Criteria: ACMG Guidelines, 2015. Collection method: clinical testing. Allele origin: unknown.

St. Jude Molecular Pathology, St. Jude Children's Research Hospital
Classification: Uncertain significance for Familial adenomatous polyposis 1. Last evaluated: 2022-09-08. Review status: criteria provided, single submitter. Criteria: St. Jude Assertion Criteria 2020. Collection method: clinical testing. Allele origin: germline.
Comment: The APC c.6700C>T (p.Pro2234Ser) missense change has a maximum subpopulation frequency of 0.0018% in gnomAD v2.1.1. The in silico tool REVEL is inconclusive about a pathogenic or benign effect of this variant on protein function, and to our knowledge functional studies have not been performed. This variant has been identified in at least one individual with late-onset colorectal cancer (PMID: 35904628). In summary, the evidence currently available is insufficient to determine the clinical significance of this variant. It has therefore been classified as of uncertain significance.

ARUP Laboratories, Molecular Genetics and Genomics, ARUP Laboratories
Classification: Uncertain significance. Last evaluated: 2021-06-11. Review status: criteria provided, single submitter. Criteria: ARUP Molecular Germline Variant Investigation Process 2021. Collection method: clinical testing. Allele origin: germline.
Comment: The APC c.6700C>T; p.Pro2234Ser variant (rs749507584), to our knowledge, is not reported in the medical literature or gene specific databases. The variant is listed in the ClinVar database (Variation ID: 185231) and is only observed on two alleles in the Genome Aggregation Database, indicating it is not a common polymorphism. The proline at codon 2234 is highly conserved, but computational analyses are uncertain whether this variant is neutral or deleterious (REVEL: 0.594). Due to limited information, the clinical significance of the p.Pro2234Ser variant is uncertain at this time.

Women's Health and Genetics/Laboratory Corporation of America, LabCorp
Classification: Uncertain significance. Last evaluated: 2019-01-18. Review status: criteria provided, single submitter. Criteria: LabCorp Variant Classification Summary - May 2015. Collection method: clinical testing. Allele origin: germline.
Comment: Variant summary: APC c.6700C>T (p.Pro2234Ser) results in a non-conservative amino acid change located in the Adenomatous polyposis coli protein basic domain of the encoded protein sequence. Five of five in-silico tools predict a damaging effect of the variant on protein function. The variant allele was found at a frequency of 8.1e-06 in 245820 control chromosomes. The available data on variant occurrences in the general population are insufficient to allow any conclusion about variant significance. To our knowledge, no occurrence of c.6700C>T in individuals affected with Familial Adenomatous Polyposis and no experimental evidence demonstrating its impact on protein function have been reported. Three clinical diagnostic laboratories have submitted clinical-significance assessments for this variant to ClinVar after 2014 without evidence for independent evaluation. All laboratories classified the variant as uncertain significance. Based on the evidence outlined above, the variant was classified as uncertain significance.